The following is an entry in ClinVar:

ClinVar aggregate classification (germline): Likely pathogenic. Review status: criteria provided, multiple submitters, no conflicts (2 of 4 stars). 2 submissions from 2 submitters: Likely pathogenic (2). Last evaluated 2023-05-30.

Conditions:
Juvenile polyposis syndrome (JPS). Identifiers: Orphanet 2929, MedGen C0345893, MONDO:0017380, OMIM 174900.

Submissions (2):

Myriad Genetics, Inc.
Classification: Likely pathogenic for Juvenile polyposis syndrome. Last evaluated: 2023-05-30. Review status: criteria provided, single submitter. Criteria: Myriad Autosomal Dominant, Autosomal Recessive and X-Linked Classification Criteria (2023). Collection method: clinical testing. Allele origin: unknown.
Comment: This variant is considered likely pathogenic. This variant occurs within a consensus splice junction and is predicted to result in abnormal mRNA splicing of either an out-of-frame exon or an in-frame exon necessary for protein stability and/or normal function.

Labcorp Genetics (formerly Invitae), Labcorp
Classification: Likely pathogenic for Juvenile polyposis syndrome. Last evaluated: 2021-02-15. Review status: criteria provided, single submitter. Criteria: Invitae Variant Classification Sherloc (09022015). Collection method: clinical testing. Allele origin: germline.
Comment: This sequence change affects an acceptor splice site in intron 11 of the BMPR1A gene. It is expected to disrupt RNA splicing. Variants that disrupt the donor or acceptor splice site typically lead to a loss of protein function (PMID: 16199547), and loss-of-function variants in BMPR1A are known to be pathogenic (PMID: 11536076, 12417513). This variant is not present in population databases (ExAC no frequency). This variant has not been reported in the literature in individuals with BMPR1A-related conditions. Algorithms developed to predict the effect of sequence changes on RNA splicing suggest that this variant may disrupt the consensus splice site, but this prediction has not been confirmed by published transcriptional studies. In summary, the currently available evidence indicates that the variant is pathogenic, but additional data are needed to prove that conclusively. Therefore, this variant has been classified as Likely Pathogenic.

Literature cited by the submitters: PubMed 16199547 (cited by Labcorp Genetics (formerly Invitae), Labcorp); PubMed 11536076 (cited by Labcorp Genetics (formerly Invitae), Labcorp); PubMed 12417513 (cited by Labcorp Genetics (formerly Invitae), Labcorp).

NM_004329.3(BMPR1A):c.1343-2A>G

Gene: BMPR1A (bone morphogenetic protein receptor type 1A; plus strand). Cytogenetic location: 10q23.2.
Variant type: single nucleotide variant.
Coding change: c.1343-2A>G on transcript NM_004329.3 (MANE Select); the canonical splice acceptor site of the intron before coding-DNA position 1343, A replaced by G.
Molecular consequence: splice acceptor variant.
Genome position (GRCh38, 1-based): chr10:86,923,374, A>G. VCF-style: chr10-86923374-A-G. GRCh37 (hg19) VCF-style: chr10-88683131-A-G.
Other names: c.1343-2A>G (NM_001406562.1, NM_001406568.1, NM_001406567.1 and 19 more transcripts); c.1259-2A>G (NM_001406584.1, NM_001406588.1, NM_001406587.1 and 2 more transcripts); c.1391-2A>G (NM_001406560.1); c.1418-2A>G (NM_001406559.1); c.1337-2A>G (NM_001406583.1); c.1001-2A>G (NM_001406589.1).
Identifiers: ClinVar variation 1516559 (VCV001516559.10), dbSNP rs2133619660, ClinGen allele CA377462589.